The following is an entry in ClinVar:

ClinVar aggregate classification (germline): Uncertain significance (1 of 4 stars; one submission).

Submission:

Labcorp Genetics (formerly Invitae), Labcorp
Classification: Uncertain significance. Last evaluated: 2022-12-13. Review status: criteria provided, single submitter. Criteria: Invitae Variant Classification Sherloc (09022015). Collection method: clinical testing. Allele origin: germline.
Comment: This sequence change affects a donor splice site in intron 1 of the SRP72 gene. It is expected to disrupt RNA splicing. Variants that disrupt the donor or acceptor splice site typically lead to a loss of protein function (PMID: 16199547), however the current clinical and genetic evidence is not sufficient to establish whether loss-of-function variants in SRP72 cause disease. This variant is not present in population databases (gnomAD no frequency). This variant has not been reported in the literature in individuals affected with SRP72-related conditions. Algorithms developed to predict the effect of sequence changes on RNA splicing suggest that this variant may disrupt the consensus splice site. In summary, the available evidence is currently insufficient to determine the role of this variant in disease. Therefore, it has been classified as a Variant of Uncertain Significance.

Literature cited by the submitters: PubMed 16199547.

NM_006947.4(SRP72):c.109+2T>G

Gene: SRP72 (signal recognition particle 72; plus strand). Cytogenetic location: 4q12.
Variant type: single nucleotide variant.
Coding change: c.109+2T>G on transcript NM_006947.4 (MANE Select); the canonical splice donor site of the intron after coding-DNA position 109, T replaced by G.
Molecular consequence: splice donor variant.
Genome position (GRCh38, 1-based): chr4:56,467,746, T>G. VCF-style: chr4-56467746-T-G. GRCh37 (hg19) VCF-style: chr4-57333912-T-G.
Other names: c.109+2T>G (NM_001267722.2).
Identifiers: ClinVar variation 2820328 (VCV002820328.3), dbSNP rs1719791310, ClinGen allele CA356995723.
Genomic context (GRCh38, chr4:56,467,746, plus strand): 5'-AGTGAACCGGTATGGCCAGAACGGCGACTTCACGCGCGCTCTCAAGACCGTCAATAAGAG[T>G]AAGTGTCGGGGTGGGCACTGGGGCGGGCCCAGGCCGGCTGGAGGATGCGGCCTGTTTCCG-3'